The following is an entry in ClinVar:

NM_000169.3(GLA):c.866T>G (p.Ile289Ser)

Genes: GLA (galactosidase alpha; minus strand), RPL36A-HNRNPH2 (RPL36A-HNRNPH2 readthrough; plus strand). Cytogenetic location: Xq22.1.
Variant type: single nucleotide variant.
Coding change: c.866T>G on transcript NM_000169.3 (MANE Select); coding-DNA position 866, T replaced by G.
Protein change: p.Ile289Ser; replaces isoleucine 289 with serine.
Molecular consequence: missense variant. On other transcripts: non-coding transcript variant (3), intron variant (2).
Genome position (GRCh38, 1-based): chrX:101,398,503, A>C on the plus strand (T>G on the coding strand, the complement: GLA is on the minus strand). VCF-style: chrX-101398503-A-C. GRCh37 (hg19) VCF-style: chrX-100653491-A-C.
Other names: c.989T>G, p.Ile330Ser (NM_001406747.1); c.866T>G, p.Ile289Ser (NM_001406748.1); c.300+3046A>C (NM_001199973.2); c.177+6681A>C (NM_001199974.2); short protein forms I289S, I330S.
Identifiers: ClinVar variation 4087559 (VCV004087559.2).

ClinVar aggregate classification (germline): Likely pathogenic (1 of 4 stars; one submission).

Conditions:
Fabry disease. Also called: ALPHA-GALACTOSIDASE A DEFICIENCY; ANDERSON-FABRY DISEASE; CERAMIDE TRIHEXOSIDASE DEFICIENCY; GLA DEFICIENCY; HEREDITARY DYSTOPIC LIPIDOSIS; Angiokeratoma corporis diffusum. Identifiers: Orphanet 324, MedGen C0002986, MONDO:0010526, OMIM 301500, HP:0001071. Disease mechanism: Fabry disease is due to inactivating mutations in the X-linked GLA gene resulting in deficiency of the enzyme Alpha Galactosidase-A., loss of function.

Submission:

Genomenon, Inc
Classification: Likely pathogenic for Fabry disease. Last evaluated: 2026-09-08. Review status: criteria provided, single submitter. Criteria: Genomenon Sequence Variant Interpretation Standards - Updated. Collection method: curation. Allele origin: germline. Affected: yes.
Comment: GLA p.Ile289Ser (c.866T>G) is a missense variant that changes the amino acid at codon 289 from Isoleucine to Serine. This variant has been observed in at least one proband with clinical features consistent with Fabry disease (PMID:18849176). At least one functional study has demonstrated a substantial alteration in protein function relative to the wild-type (PMID:27657681). It is absent or not present at a significant frequency in gnomAD. In silico models predict that this variant is possibly or probably damaging. In conclusion, we classify GLA p.Ile289Ser (c.866T>G) as a likely pathogenic variant.

Literature cited by the submitters: PubMed 18849176; PubMed 27657681.